The following is an entry in ClinVar:

NM_004055.5(CAPN5):c.1442G>A (p.Gly481Asp)

Gene: CAPN5 (calpain 5; plus strand). Cytogenetic location: 11q13.5.
Variant type: single nucleotide variant.
Coding change: c.1442G>A on transcript NM_004055.5 (MANE Select); coding-DNA position 1442, G replaced by A.
Protein change: p.Gly481Asp; replaces glycine 481 with aspartic acid.
Molecular consequence: missense variant.
Genome position (GRCh38, 1-based): chr11:77,120,864, G>A. VCF-style: chr11-77120864-G-A. GRCh37 (hg19) VCF-style: chr11-76831910-G-A.
Other names: c.1442G>A (NM_004055.4); short protein forms G481D.
Identifiers: ClinVar variation 1008764 (VCV001008764.9), dbSNP rs782027905, ClinGen allele CA6196816.

ClinVar aggregate classification (germline): Uncertain significance. Review status: criteria provided, multiple submitters, no conflicts (2 of 4 stars). 2 submissions from 2 submitters: Uncertain significance (2). Last evaluated 2024-05-30.

Conditions:
Inborn genetic diseases. Identifiers: MedGen C0950123, MeSH D030342.

Allele frequency attached by ClinVar (database versions not stated): gnomAD exomes below 0.00001; ExAC 0.00001; TOPMed 0.00004; gnomAD 0.00006 and 0.00007.
gnomAD v4.1: 11 of 1,614,032 alleles (0.00068%); highest among the groups gnomAD compares: African/African-American, 0.015%; no homozygotes.

Submissions (2):

Ambry Genetics
Classification: Uncertain significance for Inborn genetic diseases. Last evaluated: 2024-05-30. Review status: criteria provided, single submitter. Criteria: Ambry Variant Classification Scheme 2023. Collection method: clinical testing. Allele origin: germline.

Labcorp Genetics (formerly Invitae), Labcorp
Classification: Uncertain significance. Last evaluated: 2022-11-22. Review status: criteria provided, single submitter. Criteria: Invitae Variant Classification Sherloc (09022015). Collection method: clinical testing. Allele origin: germline.
Comment: This variant is present in population databases (rs782027905, gnomAD 0.01%). In summary, the available evidence is currently insufficient to determine the role of this variant in disease. Therefore, it has been classified as a Variant of Uncertain Significance. Advanced modeling of protein sequence and biophysical properties (such as structural, functional, and spatial information, amino acid conservation, physicochemical variation, residue mobility, and thermodynamic stability) performed at Invitae indicates that this missense variant is not expected to disrupt CAPN5 protein function. ClinVar contains an entry for this variant (Variation ID: 1008764). This variant has not been reported in the literature in individuals affected with CAPN5-related conditions. This sequence change replaces glycine, which is neutral and non-polar, with aspartic acid, which is acidic and polar, at codon 481 of the CAPN5 protein (p.Gly481Asp).